The following is an entry in ClinVar:

NM_198129.4(LAMA3):c.5108del (p.Cys1703fs)

Gene: LAMA3 (laminin subunit alpha 3; plus strand). Cytogenetic location: 18q11.2.
Variant type: Deletion.
Coding change: c.5108del on transcript NM_198129.4 (MANE Select); coding-DNA position 5108, one base deleted (G; older notation c.5108delG).
Protein change: p.Cys1703fs; shifts the reading frame from cysteine 1703.
Molecular consequence: frameshift variant.
Genome position (GRCh38, 1-based): chr18:23,876,403, G deleted. VCF-style (leftmost placement, unchanged base first): chr18-23876402-TG-T. GRCh37 (hg19) VCF-style: chr18-21456366-TG-T.
Other names: c.281del, p.Cys94fs (NM_000227.6, NM_001127718.4); c.5108del, p.Cys1703fs (NM_001127717.4); short protein forms C1703fs, C94fs.
Identifiers: ClinVar variation 1454336 (VCV001454336.6), dbSNP rs1273874335, ClinGen allele CA628681719.

ClinVar aggregate classification (germline): Pathogenic (1 of 4 stars; one submission).

Allele frequency attached by ClinVar (database versions not stated): gnomAD 0.00001.

Submission:

Labcorp Genetics (formerly Invitae), Labcorp
Classification: Pathogenic. Last evaluated: 2021-01-27. Review status: criteria provided, single submitter. Criteria: Invitae Variant Classification Sherloc (09022015). Collection method: clinical testing. Allele origin: germline.
Comment: This variant has not been reported in the literature in individuals with LAMA3-related conditions. This variant is not present in population databases (ExAC no frequency). This sequence change creates a premature translational stop signal (p.Cys94Leufs*46) in the LAMA3 gene. It is expected to result in an absent or disrupted protein product. Loss-of-function variants in LAMA3 are known to be pathogenic (PMID: 10366601, 11810295, 12915477, 16473856, 17362460, 23869449, 28087116). For these reasons, this variant has been classified as Pathogenic.

Literature cited by the submitters: PubMed 10366601; PubMed 11810295; PubMed 12915477; PubMed 16473856; PubMed 17362460; PubMed 23869449; PubMed 28087116.